The following is an entry in ClinVar:

ClinVar aggregate classification (germline): Uncertain significance (1 of 4 stars; one submission).

Submission:

Ambry Genetics
Classification: Uncertain significance. Last evaluated: 2022-08-03. Review status: criteria provided, single submitter. Criteria: Ambry Variant Classification Scheme 2023. Collection method: clinical testing. Allele origin: germline.
Comment: The p.L125V variant (also known as c.373C>G), located in coding exon 4 of the PKP4 gene, results from a C to G substitution at nucleotide position 373. The leucine at codon 125 is replaced by valine, an amino acid with highly similar properties. This amino acid position is conserved. In addition, this alteration is predicted to be tolerated by in silico analysis. Since supporting evidence is limited at this time, the clinical significance of this alteration remains unclear.

NM_003628.6(PKP4):c.373C>G (p.Leu125Val)

Gene: PKP4 (plakophilin 4; plus strand). Cytogenetic location: 2q24.1.
Variant type: single nucleotide variant.
Coding change: c.373C>G on transcript NM_003628.6 (MANE Select); coding-DNA position 373, C replaced by G.
Protein change: p.Leu125Val; replaces leucine 125 with valine.
Molecular consequence: missense variant. On other transcripts: 5 prime UTR variant (1).
Genome position (GRCh38, 1-based): chr2:158,621,082, C>G. VCF-style: chr2-158621082-C-G. GRCh37 (hg19) VCF-style: chr2-159477594-C-G.
Other names: c.373C>G, p.Leu125Val (NM_001005476.4, NM_001304969.3, NM_001304971.2 and 9 more transcripts); c.-577C>G (NM_001304970.3); short protein forms L125V.
Identifiers: ClinVar variation 1734457 (VCV001734457.2), dbSNP rs1044193855, ClinGen allele CA348903804.
Genomic context (GRCh38, chr2:158,621,082, plus strand): 5'-GTTTCTGACGCTGTCCAGCCCAACAACTATCTCATCAGGACAGAGCCAGAACAAGGAACC[C>G]TCTATTCACCAGAACAGACATCTCTCCATGAAAGTGAGGGTCTGTTGTGTTATCTTTTAA-3'
Protein context (NP_003619.2, residues 115-135): LIRTEPEQGT[Leu125Val]YSPEQTSLHE